The following is an entry in ClinVar:

ClinVar aggregate classification (germline): Uncertain significance (1 of 4 stars; one submission).

gnomAD v4.1: 1 of 1,613,838 alleles (0.000062%); highest among the groups gnomAD compares: Non-Finnish European, 0.000085%; no homozygotes.

Submission:

GeneDx
Classification: Uncertain significance. Last evaluated: 2024-11-27. Review status: criteria provided, single submitter. Criteria: GeneDx Variant Classification Process June 2021. Collection method: clinical testing. Allele origin: germline. Affected: yes.
Comment: Not observed at significant frequency in large population cohorts (gnomAD); In silico analysis indicates that this missense variant does not alter protein structure/function; Has not been previously published as pathogenic or benign to our knowledge

NM_020987.5(ANK3):c.13126C>T (p.His4376Tyr)

Gene: ANK3 (ankyrin 3; minus strand). Cytogenetic location: 10q21.2.
Variant type: single nucleotide variant.
Coding change: c.13126C>T on transcript NM_020987.5 (MANE Select); coding-DNA position 13126, C replaced by T.
Protein change: p.His4376Tyr; replaces histidine 4376 with tyrosine.
Molecular consequence: missense variant.
Genome position (GRCh38, 1-based): chr10:60,042,699, G>A on the plus strand (C>T on the coding strand, the complement: ANK3 is on the minus strand). VCF-style: chr10-60042699-G-A. GRCh37 (hg19) VCF-style: chr10-61802457-G-A.
Other names: c.2998C>T, p.His1000Tyr (NM_001149.4); c.5578C>T, p.His1860Tyr (NM_001204403.2); c.5599C>T, p.His1867Tyr (NM_001204404.2); c.5596C>T, p.His1866Tyr (NM_001320874.2); short protein forms H1000Y, H1860Y, H1866Y, H1867Y, H4376Y.
Identifiers: ClinVar variation 3900807 (VCV003900807.1).